The following is an entry in ClinVar:

ClinVar aggregate classification (germline): Conflicting classifications of pathogenicity. Review status: criteria provided, conflicting classifications (1 of 4 stars). 2 submissions from 2 submitters: Uncertain significance (1); Likely benign (1). Last evaluated 2023-11-06.

Conditions:
Inborn genetic diseases. Identifiers: MedGen C0950123, MeSH D030342.

gnomAD v4.1: 104 of 1,614,172 alleles (0.0064%); highest among the groups gnomAD compares: South Asian, 0.088%; 8 homozygotes.

Submissions (2):

Ambry Genetics
Classification: Likely benign for Inborn genetic diseases. Last evaluated: 2023-11-06. Review status: criteria provided, single submitter. Criteria: Ambry Variant Classification Scheme 2023. Collection method: clinical testing. Allele origin: germline.

Labcorp Genetics (formerly Invitae), Labcorp
Classification: Uncertain significance. Last evaluated: 2022-12-06. Review status: criteria provided, single submitter. Criteria: Invitae Variant Classification Sherloc (09022015). Collection method: clinical testing. Allele origin: germline.
Comment: This sequence change replaces valine with isoleucine at codon 363 of the PISD protein (p.Val363Ile). The valine residue is weakly conserved and there is a small physicochemical difference between valine and isoleucine. This variant is present in population databases (rs199697700, gnomAD 0.07%). This variant has not been reported in the literature in individuals affected with PISD-related conditions. ClinVar contains an entry for this variant (Variation ID: 1493535). Advanced modeling of protein sequence and biophysical properties (such as structural, functional, and spatial information, amino acid conservation, physicochemical variation, residue mobility, and thermodynamic stability) performed at Invitae indicates that this missense variant is not expected to disrupt PISD protein function. In summary, the available evidence is currently insufficient to determine the role of this variant in disease. Therefore, it has been classified as a Variant of Uncertain Significance.

NM_001326411.2(PISD):c.1087G>A (p.Val363Ile)

Gene: PISD (phosphatidylserine decarboxylase; minus strand). Cytogenetic location: 22q12.2.
Variant type: single nucleotide variant.
Coding change: c.1087G>A on transcript NM_001326411.2 (MANE Select); coding-DNA position 1087, G replaced by A.
Protein change: p.Val363Ile; replaces valine 363 with isoleucine.
Molecular consequence: missense variant. On other transcripts: 3 prime UTR variant (1).
Genome position (GRCh38, 1-based): chr22:31,619,755, C>T on the plus strand (G>A on the coding strand, the complement: PISD is on the minus strand). VCF-style: chr22-31619755-C-T. GRCh37 (hg19) VCF-style: chr22-32015741-C-T.
Other names: c.1024G>A, p.Val342Ile (NM_001326412.1, NM_001326413.2, NM_001326414.2); c.985G>A, p.Val329Ile (NM_001326415.2, NM_001326416.2, NM_001326417.2 and 2 more transcripts); c.907G>A, p.Val303Ile (NM_001326418.2); c.871G>A, p.Val291Ile (NM_001326419.2); c.793G>A, p.Val265Ile (NM_001326420.2); c.*35G>A (NM_001326421.1); c.985G>A (NM_014338.3); short protein forms V291I, V363I, V265I, V303I, V329I, V342I.
Identifiers: ClinVar variation 1493535 (VCV001493535.6), dbSNP rs199697700, ClinGen allele CA10194529.